The following is an entry in ClinVar:

ClinVar aggregate classification (germline): Conflicting classifications of pathogenicity. Review status: criteria provided, conflicting classifications (1 of 4 stars). 20 submissions from 20 submitters: Uncertain significance (8); Likely benign (7). 5 of the submissions do not count toward it. Last evaluated 2026-01-16.

Conditions:
BRCA2-related disorder. Also called: BRCA2-related condition; BRCA2-related disorders. Identifiers: MedGen CN239275.
Hereditary cancer-predisposing syndrome. Also called: Neoplastic Syndromes, Hereditary; Tumor predisposition; Hereditary Cancer Syndrome; Hereditary neoplastic syndrome. Identifiers: Orphanet 140162, MedGen C0027672, MeSH D009386, MONDO:0015356.
Breast neoplasm. Also called: Neoplasm of breast; Breast tumor; Breast Neoplasms; Neoplasm of the breast. Identifiers: MedGen C1458155, MeSH D001943, MONDO:0021100, HP:0100013. Disease mechanism: gain of function.
Hereditary breast ovarian cancer syndrome. Also called: Hereditary breast and ovarian cancer; Breast and ovarian cancer; Hereditary breast and/or ovarian cancer syndrome; Hereditary breast and ovarian cancer syndrome (HBOC); Hereditary breast and ovarian cancer syndrome; BRCA1- and BRCA2-Associated Hereditary Breast and Ovarian Cancer. Identifiers: Orphanet 145, MedGen C0677776, MeSH D061325, MONDO:0003582. Disease mechanism: loss of function.
Breast-ovarian cancer, familial, susceptibility to, 2 (BROVCA2). Also called: BRCA2 Hereditary Breast and Ovarian Cancer. Identifiers: Orphanet 145, MedGen C2675520, MONDO:0012933, OMIM 612555. Disease mechanism: loss of function.

Allele frequency attached by ClinVar (database versions not stated): ExAC 0.00002; gnomAD exomes 0.00002 and 0.00004; gnomAD 0.00003 and 0.00004; TOPMed 0.00007; ESP Exome Variant Server 0.00008.
gnomAD v4.1: 39 of 1,613,654 alleles (0.0024%); highest among the groups gnomAD compares: Admixed American, 0.015%; no homozygotes.

Submissions 1 to 11 of 20:

Labcorp Genetics (formerly Invitae), Labcorp
Classification: Likely benign for Hereditary breast ovarian cancer syndrome. Last evaluated: 2026-01-16. Review status: criteria provided, single submitter. Criteria: Invitae Variant Classification Sherloc (09022015). Collection method: clinical testing. Allele origin: germline.

Center for Genomic Medicine, Rigshospitalet, Copenhagen University Hospital
Classification: Likely benign. Last evaluated: 2025-12-29. Review status: criteria provided, single submitter. Criteria: ACMG Guidelines, 2015. Collection method: clinical testing. Allele origin: germline.
Comment: Classification criteria: BP1_strong

Quest Diagnostics Nichols Institute San Juan Capistrano
Classification: Uncertain significance. Last evaluated: 2025-04-03. Review status: criteria provided, single submitter. Criteria: Quest Diagnostics criteria. Collection method: clinical testing. Allele origin: unknown.
Comment: The BRCA2 c.3032C>G (p.Thr1011Arg) variant has been reported in the published literature in individuals and/or families affected with breast and/or ovarian cancer (PMIDs: 12845657 (2003), 22711857 (2012), 25948282 (2015), 28477318 (2017), 29021639 (2017), 32613071 (2020), 35409996 (2022), 36881271 (2023)), and is described to be located in a region of the BRCA2 gene that is tolerant to missense sequence changes (PMID: 31911673 (2020)). In a large-scale breast cancer association study, the variant was reported in individuals affected with breast cancer as well as reportedly healthy individuals (PMID: 33471991 (2021)). Experimental evidence regarding the effect of this variant on homologous recombination and DNA repair is conflicting (PMIDs: 21671020 (2011), 23328489 (2013)). In addition, this variant was observed to impair binding to APRIN and RAD51 proteins, which requires further study (PMID: 22293751 (2012)). The frequency of this variant in the general population (Genome Aggregation Database) is uninformative in the assessment of its pathogenicity. Analysis of this variant using bioinformatics tools for the prediction of the effect of amino acid changes on protein structure and function yielded predictions that this variant is damaging. Based on the available information, we are unable to determine the clinical significance of this variant.

Women's Health and Genetics/Laboratory Corporation of America, LabCorp
Classification: Uncertain significance. Last evaluated: 2024-12-12. Review status: criteria provided, single submitter. Criteria: LabCorp Variant Classification Summary - May 2015. Collection method: clinical testing. Allele origin: germline.
Comment: Variant summary: BRCA2 c.3032C>G (p.Thr1011Arg) results in a non-conservative amino acid change located in the BRCA2 repeat profile (IPR002093) of the encoded protein sequence. Five of five in-silico tools predict a damaging effect of the variant on protein function. The variant allele was found at a frequency of 3.6e-05 in 250670 control chromosomes. The available data on variant occurrences in the general population are insufficient to allow any conclusion about variant significance. c.3032C>G has been reported in the literature in multiple individuals affected with Hereditary Breast And Ovarian Cancer Syndrome and related conditions without evidence for causality (e.g. deSanjose_2003, Balia_2011, Alsop_2012, Kluska_2015, Gabaldo_2017, Rosado-jimenez_2023). These report(s) do not provide unequivocal conclusions about association of the variant with Hereditary Breast And Ovarian Cancer Syndrome. Functional studies show inconsistent results, Balia_2011 showed homologous recombination in human cells comparable to WT, Spugnesi_2013 showed that variant of interest did not induce HR (as pathogenic variant controls) and Brough_2012 showed variant fragment of BRCA2 protein with decreased interaction with both APRIN and RAD51 proteins detected via co-IP assay. ClinVar contains an entry for this variant (Variation ID: 37815). Based on the evidence outlined above, the variant was classified as VUS-possibly benign.

Blueprint Genetics
Classification: Likely benign. Last evaluated: 2024-11-26. Review status: criteria provided, single submitter. Criteria: ACMG Guidelines, 2015. Collection method: clinical testing. Allele origin: germline.

German Consortium for Hereditary Breast and Ovarian Cancer, University Hospital Cologne
Classification: Likely benign for Hereditary breast ovarian cancer syndrome. Last evaluated: 2024-09-09. Review status: criteria provided, single submitter. Criteria: ClinGen BRCA2 V1.1.0. Collection method: curation. Allele origin: germline.
Comment: According to the ClinGen ENIGMA BRCA2 v1.1.0 criteria we chose these criteria: PP4 (supporting pathogenic): Combined LR Score: 2.609, BP1 (strong benign): outside functional domain, SpliceAI 0.0 , BS1 (supporting benign): Filter allele frequency (FAF) > 0.002%

University of Washington Department of Laboratory Medicine, University of Washington
Classification: Likely benign for Hereditary cancer-predisposing syndrome. Last evaluated: 2023-03-23. Review status: criteria provided, single submitter. Criteria: Dines et al. (Genet Med. 2020). Collection method: curation. Allele origin: germline.
Comment: Missense variant in a coldspot region where missense variants are very unlikely to be pathogenic (PMID:31911673).

BRCA2 exon 11 coldspot. Reclassification based on statistical prior probability.

GeneDx
Classification: Uncertain significance. Last evaluated: 2023-02-24. Review status: criteria provided, single submitter. Criteria: GeneDx Variant Classification Process June 2021. Collection method: clinical testing. Allele origin: germline. Affected: yes.
Comment: Published functional studies are inconclusive: spontaneous homologous recombination in human cell line comparable to wildtype, no induction of recombination events in yeast comparable to pathogenic control, impaired binding to APRIN and RAD51 (Balia et al., 2011; Brough et al., 2012; Spugnesi et al., 2013); Observed in individuals with breast and/or ovarian cancer, but also in cancer-free controls (De Sanjose et al., 2003; Balia et al., 2011; Alsop et al., 2012; Gabald Barrios et al., 2017; Terzic et al., 2020; Dorling et al., 2021; Vidra et al., 2022); In silico analysis supports that this missense variant has a deleterious effect on protein structure/function; Also known as 3260C>G; This variant is associated with the following publications: (PMID: 23328489, 21671020, 25637381, 12845657, 25948282, 26992456, 24323938, 22293751, 22711857, 28477318, 12442171, 17515904, 12967658, 19747923, 10923033, 29021639, 31422574, 31159747, 32613071, 31131967, 32123317, 33471991, 32377563, 9002670, 22193408, 30630528, 29884841, 35409996)

Institute of Human Genetics, University of Leipzig Medical Center
Classification: Uncertain significance for Breast-ovarian cancer, familial, susceptibility to, 2. Last evaluated: 2023-02-21. Review status: criteria provided, single submitter. Criteria: ACMG Guidelines, 2015. Collection method: clinical testing. Allele origin: germline. Affected: yes. Observed: 1 variant allele.

Sema4
Classification: Uncertain significance for Hereditary cancer-predisposing syndrome. Last evaluated: 2021-05-10. Review status: criteria provided, single submitter. Criteria: Sema4 Curation Guidelines. Collection method: curation. Allele origin: germline.
Comment: The BRCA2 c.3032C>G (p.T1011R) variant has been reported in multiple individuals with a personal and/or family history of breast and ovarian cancer, but has also been identified in healthy controls (PMID: 33471991, 12845657, 28477318, 21671020, 31159747, 22711857, 25948282, 29021639, 32613071, 25637381). In silico tools suggest the impact of the variant on protein function is deleterious, and functional studies have had conflicting results. In one study, this variant was not found to increase spontaneous homologous recombination in the HeLaG1 cell line, an effect similar to wildtype (PMID: 21671020). This variant was also shown to have no impact on splicing (PMID: 32123317). However, a co-immunoprecipitation assay showed that this variant decreased the interaction of BRCA2 with both APRIN and RAD51 (PMID: 22293751), and a yeast assay found that this variant did not induce homologous recombination, similar to the pathogenic control (PMID: 23328489). The p.T1011R variant was observed in 5/34502 chromosomes of the Latino subpopulation in the large and broad cohorts of the Genome Aggregation Database (PMID: 32461654). The variant has been reported in ClinVar (Variation ID 37815). The evidence is insufficient to meet ACMG/AMP criteria for classifying the variant as benign or pathogenic. Thus, the clinical significance of this variant is currently uncertain.

Mendelics
Classification: Uncertain significance for Breast-ovarian cancer, familial, susceptibility to, 2. Last evaluated: 2019-05-28. Review status: criteria provided, single submitter. Criteria: Mendelics Assertion Criteria 2017. Collection method: clinical testing. Allele origin: unknown.

NM_000059.4(BRCA2):c.3032C>G (p.Thr1011Arg)

Gene: BRCA2 (BRCA2 DNA repair associated; plus strand). Cytogenetic location: 13q13.1.
Variant type: single nucleotide variant.
Coding change: c.3032C>G on transcript NM_000059.4 (MANE Select); coding-DNA position 3032, C replaced by G.
Protein change: p.Thr1011Arg; replaces threonine 1011 with arginine.
Molecular consequence: missense variant.
Genome position (GRCh38, 1-based): chr13:32,337,387, C>G. VCF-style: chr13-32337387-C-G. GRCh37 (hg19) VCF-style: chr13-32911524-C-G.
Other names: p.T1011R:ACA>AGA; 3260C>G; short protein forms T1011R.
Identifiers: ClinVar variation 37815 (VCV000037815.106), dbSNP rs80358548, ClinGen allele CA017069.